The following is an entry in ClinVar:

ClinVar aggregate classification (germline): Uncertain significance (1 of 4 stars; one submission).

Submission:

Women's Health and Genetics/Laboratory Corporation of America, LabCorp
Classification: Uncertain significance. Last evaluated: 2025-01-07. Review status: criteria provided, single submitter. Criteria: LabCorp Variant Classification Summary - May 2015. Collection method: clinical testing. Allele origin: germline.
Comment: Variant summary: GP1BA c.367G>A (p.Val123Ile) results in a conservative amino acid change located in the Leucine-rich repeat (IPR003591) of the encoded protein sequence. Five of five in-silico tools predict a benign effect of the variant on protein function. The variant allele was found at a frequency of 4e-05 in 249196 control chromosomes (gnomAD). c.367G>A has been reported in the literature without strong evidence for or against pathogenicity (example: Vorholt_2020). This report does not provide unequivocal conclusions about association of the variant with Bernard-Soulier Syndrome, Type A2, Autosomal Dominant. To our knowledge, no experimental evidence demonstrating an impact on protein function has been reported. The following publication has been ascertained in the context of this evaluation (PMID: 32110192). No submitters have cited clinical-significance assessments for this variant to ClinVar. Based on the evidence outlined above, the variant was classified as uncertain significance.

Literature cited by the submitters: PubMed 32110192.

NM_000173.7(GP1BA):c.367G>A (p.Val123Ile)

Gene: GP1BA (glycoprotein Ib platelet subunit alpha; plus strand). Cytogenetic location: 17p13.2.
Variant type: single nucleotide variant.
Coding change: c.367G>A on transcript NM_000173.7 (MANE Select); coding-DNA position 367, G replaced by A.
Protein change: p.Val123Ile; replaces valine 123 with isoleucine.
Molecular consequence: missense variant.
Genome position (GRCh38, 1-based): chr17:4,932,971, G>A. VCF-style: chr17-4932971-G-A. GRCh37 (hg19) VCF-style: chr17-4836266-G-A.
Other names: short protein forms V123I.
Identifiers: ClinVar variation 3769212 (VCV003769212.2).